The following is an entry in ClinVar:

ClinVar aggregate classification (germline): Uncertain significance. Review status: criteria provided, multiple submitters, no conflicts (2 of 4 stars). 2 submissions from 2 submitters: Uncertain significance (2). Last evaluated 2023-10-05.

Conditions:
Pierpont syndrome (PRPTS). Identifiers: Orphanet 487825, MedGen C1865644, MONDO:0011213, OMIM 602342.
Inborn genetic diseases. Identifiers: MedGen C0950123, MeSH D030342.

Allele frequency attached by ClinVar (database versions not stated): gnomAD exomes below 0.00001; TOPMed below 0.00001.
gnomAD v4.1: 2 of 1,613,652 alleles (0.00012%); highest among the groups gnomAD compares: African/African-American, 0.0027%; no homozygotes.

Submissions (2):

Labcorp Genetics (formerly Invitae), Labcorp
Classification: Uncertain significance for Pierpont syndrome. Last evaluated: 2023-10-05. Review status: criteria provided, single submitter. Criteria: Invitae Variant Classification Sherloc (09022015). Collection method: clinical testing. Allele origin: germline.
Comment: This sequence change replaces serine, which is neutral and polar, with arginine, which is basic and polar, at codon 199 of the TBL1XR1 protein (p.Ser199Arg). This variant is not present in population databases (gnomAD no frequency). This variant has not been reported in the literature in individuals affected with TBL1XR1-related conditions. ClinVar contains an entry for this variant (Variation ID: 2494686). Advanced modeling of protein sequence and biophysical properties (such as structural, functional, and spatial information, amino acid conservation, physicochemical variation, residue mobility, and thermodynamic stability) performed at Invitae indicates that this missense variant is not expected to disrupt TBL1XR1 protein function. In summary, the available evidence is currently insufficient to determine the role of this variant in disease. Therefore, it has been classified as a Variant of Uncertain Significance.

Ambry Genetics
Classification: Uncertain significance for Inborn genetic diseases. Last evaluated: 2023-03-06. Review status: criteria provided, single submitter. Criteria: Ambry Variant Classification Scheme 2023. Collection method: clinical testing. Allele origin: germline.

NM_024665.7(TBL1XR1):c.595A>C (p.Ser199Arg)

Gene: TBL1XR1 (TBL1X/Y related 1; minus strand). Cytogenetic location: 3q26.32.
Variant type: single nucleotide variant.
Coding change: c.595A>C on transcript NM_024665.7 (MANE Select); coding-DNA position 595, A replaced by C.
Protein change: p.Ser199Arg; replaces serine 199 with arginine.
Molecular consequence: missense variant.
Genome position (GRCh38, 1-based): chr3:177,050,104, T>G on the plus strand (A>C on the coding strand, the complement: TBL1XR1 is on the minus strand). VCF-style: chr3-177050104-T-G. GRCh37 (hg19) VCF-style: chr3-176767892-T-G.
Other names: c.595A>C, p.Ser199Arg (NM_001321193.3, NM_001321194.3, NM_001374327.1 and 2 more transcripts); c.334A>C, p.Ser112Arg (NM_001321195.3, NM_001374330.1); short protein forms S199R, S112R.
Identifiers: ClinVar variation 2494686 (VCV002494686.5), dbSNP rs773011905, ClinGen allele CA355552625.